The following is an entry in ClinVar:

ClinVar aggregate classification (germline): Likely benign (1 of 4 stars; one submission).

Allele frequency attached by ClinVar (database versions not stated): gnomAD exomes below 0.00001.
gnomAD v4.1: 2 of 1,613,408 alleles (0.00012%); highest among the groups gnomAD compares: East Asian, 0.0022%; no homozygotes.

Submission:

CeGaT Center for Human Genetics Tuebingen
Classification: Likely benign. Last evaluated: 2024-05-01. Review status: criteria provided, single submitter. Criteria: CeGaT Center For Human Genetics Tuebingen Variant Classification Criteria Version 2. Collection method: clinical testing. Allele origin: germline. Affected: yes. Observed: 1 variant allele.
Comment: RORA: BP4, BP7

NM_134261.3(RORA):c.196+63654C>T

Genes: RORA (RAR related orphan receptor A; minus strand), RORA-AS1 (RORA antisense RNA 1; plus strand). Cytogenetic location: 15q22.2.
Variant type: single nucleotide variant.
Coding change: c.196+63654C>T on transcript NM_134261.3 (MANE Select); 63654 bases into the intron after coding-DNA position 196, C replaced by T.
Molecular consequence: intron variant. On other transcripts: synonymous variant (1).
Genome position (GRCh38, 1-based): chr15:60,615,003, G>A on the plus strand (C>T on the coding strand, the complement: RORA is on the minus strand). VCF-style: chr15-60615003-G-A. GRCh37 (hg19) VCF-style: chr15-60907202-G-A.
Other names: c.162C>T, p.Ser54= (NM_002943.4); c.137+12235C>T (NM_134260.3).
Identifiers: ClinVar variation 3239418 (VCV003239418.19), dbSNP rs1297433972.